The following is an entry in ClinVar:

ClinVar aggregate classification (germline): Uncertain significance (1 of 4 stars; one submission).

gnomAD v4.1: 10 of 1,614,180 alleles (0.00062%); highest among the groups gnomAD compares: Non-Finnish European, 0.00085%; no homozygotes.

Submission:

Labcorp Genetics (formerly Invitae), Labcorp
Classification: Uncertain significance. Last evaluated: 2024-09-04. Review status: criteria provided, single submitter. Criteria: Invitae Variant Classification Sherloc (09022015). Collection method: clinical testing. Allele origin: germline.
Comment: This sequence change replaces aspartic acid, which is acidic and polar, with glutamic acid, which is acidic and polar, at codon 828 of the KCNQ5 protein (p.Asp828Glu). This variant is not present in population databases (gnomAD no frequency). This variant has not been reported in the literature in individuals affected with KCNQ5-related conditions. Invitae Evidence Modeling of protein sequence and biophysical properties (such as structural, functional, and spatial information, amino acid conservation, physicochemical variation, residue mobility, and thermodynamic stability) indicates that this missense variant is not expected to disrupt KCNQ5 protein function with a negative predictive value of 95%. In summary, the available evidence is currently insufficient to determine the role of this variant in disease. Therefore, it has been classified as a Variant of Uncertain Significance.

NM_019842.4(KCNQ5):c.2427C>A (p.Asp809Glu)

Gene: KCNQ5 (potassium voltage-gated channel subfamily Q member 5; plus strand). Cytogenetic location: 6q13.
Variant type: single nucleotide variant.
Coding change: c.2427C>A on transcript NM_019842.4 (MANE Select); coding-DNA position 2427, C replaced by A.
Protein change: p.Asp809Glu; replaces aspartic acid 809 with glutamic acid.
Molecular consequence: missense variant.
Genome position (GRCh38, 1-based): chr6:73,195,042, C>A. VCF-style: chr6-73195042-C-A. GRCh37 (hg19) VCF-style: chr6-73904765-C-A.
Other names: c.2400C>A, p.Asp800Glu (NM_001160130.2); c.2457C>A, p.Asp819Glu (NM_001160132.2); c.2484C>A, p.Asp828Glu (NM_001160133.2); c.2097C>A, p.Asp699Glu (NM_001160134.2); short protein forms D809E, D828E, D800E, D699E, D819E.
Identifiers: ClinVar variation 3635316 (VCV003635316.2).
Genomic context (GRCh38, chr6:73,195,042, plus strand): 5'-AAATGTTCAGGTTGCACAGTCAAATCTCACCAAGGACCGTTCTATGAGGAAAAGCTTTGA[C>A]ATGGGAGGAGAAACTCTGTTGTCTGTCTGTCCCATGGTGCCGAAGGACTTGGGCAAATCT-3'
Protein context (NP_062816.2, residues 799-819): TKDRSMRKSF[Asp809Glu]MGGETLLSVC